The following is an entry in ClinVar:

NM_000048.4(ASL):c.622C>T (p.Pro208Ser)

Gene: ASL (argininosuccinate lyase; plus strand). Cytogenetic location: 7q11.21.
Variant type: single nucleotide variant.
Coding change: c.622C>T on transcript NM_000048.4 (MANE Select); coding-DNA position 622, C replaced by T.
Protein change: p.Pro208Ser; replaces proline 208 with serine.
Molecular consequence: missense variant.
Genome position (GRCh38, 1-based): chr7:66,087,353, C>T. VCF-style: chr7-66087353-C-T. GRCh37 (hg19) VCF-style: chr7-65552340-C-T.
Other names: c.622C>T, p.Pro208Ser (NM_001024943.2, NM_001024944.2); c.544C>T, p.Pro182Ser (NM_001024946.2); short protein forms P182S, P208S.
Identifiers: ClinVar variation 3347046 (VCV003347046.2).

ClinVar aggregate classification (germline): Uncertain significance (0 of 4 stars; one submission).

Conditions:
ASL-related disorder. Also called: ASL-related condition.

gnomAD v4.1: 1 of 1,606,072 alleles (0.000062%); highest among the groups gnomAD compares: Non-Finnish European, 0.000085%; no homozygotes.

Submission:

PreventionGenetics, part of Exact Sciences
Classification: Uncertain significance for ASL-related condition. Last evaluated: 2024-06-19. Review status: no assertion criteria provided. Collection method: clinical testing. Allele origin: germline.
Comment: The ASL c.622C>T variant is predicted to result in the amino acid substitution p.Pro208Ser. To our knowledge, this variant has not been reported in the literature or in a large population database, indicating this variant is rare. Different substitutions of the same amino acid (p.Pro208Thr, p.Pro208Arg) have been reported in individuals with argininosuccinate lyase deficiency (Balmer et al. 2014. PubMed ID: 24166829; Martín-Hernández et al. 2014. PubMed ID: 25433810). Although we suspect that the c.622C>T (p.Pro208Ser) variant may be pathogenic, at this time, the clinical significance of this variant is uncertain due to the absence of conclusive functional and genetic evidence.